The following is an entry in ClinVar:

NM_001318895.3(FHL2):c.595C>A (p.Arg199Ser)

Genes: C2orf49 (chromosome 2 open reading frame 49; plus strand), FHL2 (four and a half LIM domains 2; minus strand). Cytogenetic location: 2q12.2.
Variant type: single nucleotide variant.
Coding change: c.595C>A on transcript NM_001318895.3 (MANE Select); coding-DNA position 595, C replaced by A.
Protein change: p.Arg199Ser; replaces arginine 199 with serine.
Molecular consequence: missense variant.
Genome position (GRCh38, 1-based): chr2:105,363,378, G>T on the plus strand (C>A on the coding strand, the complement: FHL2 is on the minus strand). VCF-style: chr2-105363378-G-T. GRCh37 (hg19) VCF-style: chr2-105979835-G-T.
Other names: c.595C>A, p.Arg199Ser (NM_001039492.3, NM_001318894.1, NM_001318896.2 and 4 more transcripts); c.253C>A, p.Arg85Ser (NM_001318897.2, NM_001318898.2); c.271C>A, p.Arg91Ser (NM_001318899.2); short protein forms R199S, R85S, R91S.
Identifiers: ClinVar variation 179081 (VCV000179081.6), dbSNP rs373259092, ClinGen allele CA183687.
Genomic context (GRCh38, chr2:105,363,378, plus strand): 5'-TGGCATACAAGTCACAGAAGCAGTTCAGGCAGTAGGCAAAGTCATCGCGAGCTGTGAAGC[G>T]CTGCCCAGACAGCTGCTTCCTGCAGGCGGTGCACACGAAGCACTCCTTGTGCCAGGGCTG-3'
Protein context (NP_001305824.1, residues 189-209): TACRKQLSGQ[Arg199Ser]FTARDDFAYC

ClinVar aggregate classification (germline): Uncertain significance. Review status: criteria provided, multiple submitters, no conflicts (2 of 4 stars). 2 submissions from 2 submitters: Uncertain significance (2). Last evaluated 2015-10-21.

Conditions:
Cardiomyopathy (CMYO). Also called: Cardiomyopathies. Identifiers: Orphanet 167848, MedGen C0878544, MONDO:0004994, HP:0001638. Inheritance: Various modes of inheritance.

Allele frequency attached by ClinVar (database versions not stated): TOPMed 0.00004.
gnomAD v4.1: 4 of 1,614,058 alleles (0.00025%); highest among the groups gnomAD compares: Non-Finnish European, 0.00025%; no homozygotes.

Submissions (2):

CHEO Genetics Diagnostic Laboratory, Children's Hospital of Eastern Ontario
Classification: Uncertain significance for Cardiomyopathy. Last evaluated: 2015-10-21. Review status: criteria provided, single submitter. Criteria: ACMG Guidelines, 2015. Collection method: clinical testing. Allele origin: germline. Study: Canadian Open Genetics Repository.

Laboratory for Molecular Medicine, Mass General Brigham Personalized Medicine
Classification: Uncertain significance. Last evaluated: 2013-07-08. Review status: criteria provided, single submitter. Criteria: LMM Criteria. Collection method: clinical testing. Allele origin: germline. Observed: 1 variant allele.
Comment: The Arg199Ser variant in FHL2 has not been reported in the literature, but has b een identified in 1/4406 African American and 1/8600 European American chromosom es by the NHLBI Exome Sequencing Project. Co mputational analyses (biochemical amino acid properties, conservation, AlignGVGD , PolyPhen2, and SIFT) do not provide strong support for or against an impact to the protein. Additional information is needed to fully assess the clinical sign ificance of the Arg199Ser variant.